The following is an entry in ClinVar:

NM_003718.5(CDK13):c.4292A>G (p.His1431Arg)

Gene: CDK13 (cyclin dependent kinase 13; plus strand). Cytogenetic location: 7p14.1.
Variant type: single nucleotide variant.
Coding change: c.4292A>G on transcript NM_003718.5 (MANE Select); coding-DNA position 4292, A replaced by G.
Protein change: p.His1431Arg; replaces histidine 1431 with arginine.
Molecular consequence: missense variant.
Genome position (GRCh38, 1-based): chr7:40,094,733, A>G. VCF-style: chr7-40094733-A-G. GRCh37 (hg19) VCF-style: chr7-40134332-A-G.
Other names: c.4112A>G, p.His1371Arg (NM_031267.4); short protein forms H1371R, H1431R.
Identifiers: ClinVar variation 2657405 (VCV002657405.24), dbSNP rs763881275, ClinGen allele CA4229107.
Genomic context (GRCh38, chr7:40,094,733, plus strand): 5'-ACCTCAATGCTGGTCCCATGTTGTTTAGTGGAGACAAGGACCATAGATTTGAATATAGCC[A>G]TGGTCCTATTGCAGTCCTGGCAAACAGCAGTGACCCTTCCACGGGGCCAGAGAGTACTCA-3'
Protein context (NP_003709.3, residues 1421-1441): GDKDHRFEYS[His1431Arg]GPIAVLANSS

ClinVar aggregate classification (germline): Uncertain significance. Review status: criteria provided, multiple submitters, no conflicts (2 of 4 stars). 2 submissions from 2 submitters: Uncertain significance (2). Last evaluated 2025-10-30.

Conditions:
Inborn genetic diseases. Identifiers: MedGen C0950123, MeSH D030342.

Allele frequency attached by ClinVar (database versions not stated): TOPMed below 0.00001; ExAC 0.00001.

Submissions (2):

Ambry Genetics
Classification: Uncertain significance for Inborn genetic diseases. Last evaluated: 2025-10-30. Review status: criteria provided, single submitter. Criteria: Ambry Variant Classification Scheme 2023. Collection method: clinical testing. Allele origin: germline.

CeGaT Center for Human Genetics Tuebingen
Classification: Uncertain significance. Last evaluated: 2022-07-01. Review status: criteria provided, single submitter. Criteria: CeGaT Center For Human Genetics Tuebingen Variant Classification Criteria Version 2. Collection method: clinical testing. Allele origin: germline. Affected: yes. Observed: 1 variant allele.
Comment: CDK13: PM2